The following is an entry in ClinVar:

ClinVar aggregate classification (germline): Pathogenic (1 of 4 stars; one submission).

Conditions:
Very long chain acyl-CoA dehydrogenase deficiency (ACADVLD). Also called: Very Long-Chain Acyl-Coenzyme A Dehydrogenase Deficiency; VLCAD Deficiency. Identifiers: Orphanet 26793, MedGen C3887523, MONDO:0008723, OMIM 201475.

Submission:

Myriad Genetics, Inc.
Classification: Pathogenic for Very long chain acyl-CoA dehydrogenase deficiency. Last evaluated: 2025-04-07. Review status: criteria provided, single submitter. Criteria: Myriad Autosomal Dominant, Autosomal Recessive and X-Linked Classification Criteria (2023). Collection method: clinical testing. Allele origin: unknown.
Comment: NM_000018.3(ACADVL):c.1262_1263delTT(F421Wfs*11) is a frameshift variant classified as pathogenic in the context of very-long-chain acyl-CoA dehydrogenase deficiency. F421Wfs*11 has not been observed in cases with relevant disease. Relevant functional assessments of this variant are not available in the literature. F421Wfs*11 has not been observed in referenced population frequency databases. In summary, NM_000018.3(ACADVL):c.1262_1263delTT(F421Wfs*11) is a frameshift variant in a gene where loss of function is a known mechanism of disease and is predicted to disrupt protein function. Please note: this variant was assessed in the context of healthy population screening.

NM_000018.4(ACADVL):c.1262_1263del (p.Phe421fs)

Gene: ACADVL (acyl-CoA dehydrogenase very long chain; plus strand). Cytogenetic location: 17p13.1.
Variant type: Deletion.
Coding change: c.1262_1263del on transcript NM_000018.4 (MANE Select); coding-DNA positions 1262 to 1263, 2 bases deleted (TT; older notation c.1262_1263delTT).
Protein change: p.Phe421fs; shifts the reading frame from phenylalanine 421.
Molecular consequence: frameshift variant.
Genome position (GRCh38, 1-based): chr17:7,223,723-7,223,724, TT deleted; deleting any 2 consecutive bases within chr17:7,223,722-7,223,724 gives the same sequence; the c. name uses the placement nearest the transcript's 3' end. VCF-style (leftmost placement, unchanged base first): chr17-7223721-CTT-C. GRCh37 (hg19) VCF-style: chr17-7127040-CTT-C.
Other names: c.1196_1197del, p.Phe399fs (NM_001033859.3); c.1331_1332del, p.Phe444fs (NM_001270447.2); c.1034_1035del, p.Phe345fs (NM_001270448.2); short protein forms F345fs, F399fs, F421fs, F444fs.
Identifiers: ClinVar variation 4081618 (VCV004081618.1).